The following is an entry in ClinVar:

ClinVar aggregate classification (germline): Uncertain significance (1 of 4 stars; one submission).

Conditions:
Hereditary nonpolyposis colorectal neoplasms. Identifiers: MedGen C0009405, MeSH D003123.

gnomAD v4.1: 1 of 1,574,244 alleles (0.000064%); highest among the groups gnomAD compares: Non-Finnish European, 0.000086%; no homozygotes.

Submission:

Labcorp Genetics (formerly Invitae), Labcorp
Classification: Uncertain significance for Hereditary nonpolyposis colorectal neoplasms. Last evaluated: 2018-12-16. Review status: criteria provided, single submitter. Criteria: Invitae Variant Classification Sherloc (09022015). Collection method: clinical testing. Allele origin: germline.
Comment: In summary, the available evidence is currently insufficient to determine the role of this variant in disease. Therefore, it has been classified as a Variant of Uncertain Significance. Algorithms developed to predict the effect of missense changes on protein structure and function are either unavailable or do not agree on the potential impact of this missense change (SIFT: "Tolerated"; PolyPhen-2: "Possibly Damaging"; Align-GVGD: "Class C0"). This variant has not been reported in the literature in individuals with MSH6-related conditions. This variant is not present in population databases (ExAC no frequency). This sequence change replaces threonine with proline at codon 987 of the MSH6 protein (p.Thr987Pro). The threonine residue is weakly conserved and there is a small physicochemical difference between threonine and proline.

NM_000179.3(MSH6):c.2959A>C (p.Thr987Pro)

Gene: MSH6 (mutS homolog 6; plus strand). Cytogenetic location: 2p16.3.
Variant type: single nucleotide variant.
Coding change: c.2959A>C on transcript NM_000179.3 (MANE Select); coding-DNA position 2959, A replaced by C.
Protein change: p.Thr987Pro; replaces threonine 987 with proline.
Molecular consequence: missense variant.
Genome position (GRCh38, 1-based): chr2:47,800,942, A>C. VCF-style: chr2-47800942-A-C. GRCh37 (hg19) VCF-style: chr2-48028081-A-C.
Other names: c.2569A>C, p.Thr857Pro (NM_001281492.2); c.2053A>C, p.Thr685Pro (NM_001281493.2, NM_001281494.2); short protein forms T857P, T987P, T685P.
Identifiers: ClinVar variation 654328 (VCV000654328.9), dbSNP rs746631156, ClinGen allele CA346756267.